The following is an entry in ClinVar:

ClinVar aggregate classification (germline): Likely benign (0 of 4 stars; one submission).

Conditions:
HADH-related disorder. Also called: HADH-related condition.

Allele frequency attached by ClinVar (database versions not stated): gnomAD exomes 0.00001.

Submission:

PreventionGenetics, part of Exact Sciences
Classification: Likely benign for HADH-related condition. Last evaluated: 2020-10-20. Review status: no assertion criteria provided. Collection method: clinical testing. Allele origin: germline.
Comment: This variant is classified as likely benign based on ACMG/AMP sequence variant interpretation guidelines (Richards et al. 2015 PMID: 25741868, with internal and published modifications).

NM_005327.7(HADH):c.709+35_709+36insG

Gene: HADH (hydroxyacyl-CoA dehydrogenase; plus strand). Cytogenetic location: 4q25.
Variant type: Insertion.
Coding change: c.709+35_709+36insG on transcript NM_005327.7 (MANE Select); bases 35 to 36 of the intron after coding-DNA position 709, G inserted.
Molecular consequence: intron variant.
Genome position: GRCh38 VCF-style: chr4-108027795-T-TG. GRCh37 (hg19) VCF-style: chr4-108948951-T-TG.
Other names: c.709+35_709+36insG (NM_001184705.4); c.721+35_721+36insG (NM_001331027.2).
Identifiers: ClinVar variation 3034377 (VCV003034377.2), dbSNP rs2477271080, ClinGen allele CA2671694105.